The following is an entry in ClinVar:

NM_012144.4(DNAI1):c.244G>C (p.Val82Leu)

Gene: DNAI1 (dynein axonemal intermediate chain 1; plus strand). Cytogenetic location: 9p13.3.
Variant type: single nucleotide variant.
Coding change: c.244G>C on transcript NM_012144.4 (MANE Select); coding-DNA position 244, G replaced by C.
Protein change: p.Val82Leu; replaces valine 82 with leucine.
Molecular consequence: missense variant.
Genome position (GRCh38, 1-based): chr9:34,485,500, G>C. VCF-style: chr9-34485500-G-C. GRCh37 (hg19) VCF-style: chr9-34485498-G-C.
Other names: c.244G>C, p.Val82Leu (NM_001281428.2); short protein forms V82L.
Identifiers: ClinVar variation 569850 (VCV000569850.9), dbSNP rs1564031598, ClinGen allele CA373242671.

ClinVar aggregate classification (germline): Uncertain significance. Review status: criteria provided, single submitter (1 of 4 stars). 2 submissions from 2 submitters: Uncertain significance (1). 1 of the submissions does not count toward it. Last evaluated 2021-09-01.

Conditions:
Primary ciliary dyskinesia. Also called: Ciliary dyskinesia. Identifiers: Orphanet 244, MedGen C0008780, MONDO:0016575, HP:0012265.

gnomAD v4.1: 1 of 1,614,100 alleles (0.000062%); no homozygotes.

Submissions (2):

Labcorp Genetics (formerly Invitae), Labcorp
Classification: Uncertain significance for Primary ciliary dyskinesia. Last evaluated: 2021-09-01. Review status: criteria provided, single submitter. Criteria: Invitae Variant Classification Sherloc (09022015). Collection method: clinical testing. Allele origin: germline.
Comment: This sequence change replaces valine with leucine at codon 82 of the DNAI1 protein (p.Val82Leu). The valine residue is highly conserved and there is a small physicochemical difference between valine and leucine. This variant is not present in population databases (ExAC no frequency). This variant has not been reported in the literature in individuals affected with DNAI1-related conditions. Algorithms developed to predict the effect of missense changes on protein structure and function (SIFT, PolyPhen-2, Align-GVGD) all suggest that this variant is likely to be tolerated. In summary, the available evidence is currently insufficient to determine the role of this variant in disease. Therefore, it has been classified as a Variant of Uncertain Significance.

Natera, Inc.
Classification: Uncertain significance for Primary ciliary dyskinesia. Last evaluated: 2020-10-09. Review status: no assertion criteria provided. Collection method: clinical testing. Allele origin: germline. Not counted in ClinVar's aggregate classification.